The following is an entry in ClinVar:

ClinVar aggregate classification (germline): Uncertain significance. Review status: criteria provided, multiple submitters, no conflicts (2 of 4 stars). 3 submissions from 3 submitters: Uncertain significance (3). Last evaluated 2023-12-01.

Conditions:
Primary ciliary dyskinesia. Also called: Ciliary dyskinesia. Identifiers: Orphanet 244, MedGen C0008780, MONDO:0016575, HP:0012265.
Inborn genetic diseases. Identifiers: MedGen C0950123, MeSH D030342.

Allele frequency attached by ClinVar (database versions not stated): gnomAD 0.00001 and 0.00002; gnomAD exomes 0.00002 and 0.00012; TOPMed 0.00003; ExAC 0.00012; 1000 Genomes Project 30x 0.00016; 1000 Genomes Project 0.00020.
gnomAD v4.1: 33 of 1,613,868 alleles (0.002%); highest among the groups gnomAD compares: East Asian, 0.069%; no homozygotes.

Submissions (3):

Blueprint Genetics
Classification: Uncertain significance. Last evaluated: 2023-12-01. Review status: criteria provided, single submitter. Criteria: ACMG Guidelines, 2015. Collection method: clinical testing. Allele origin: germline.

Ambry Genetics
Classification: Uncertain significance for Inborn genetic diseases. Last evaluated: 2023-07-11. Review status: criteria provided, single submitter. Criteria: Ambry Variant Classification Scheme 2023. Collection method: clinical testing. Allele origin: germline.

Labcorp Genetics (formerly Invitae), Labcorp
Classification: Uncertain significance for Primary ciliary dyskinesia. Last evaluated: 2022-07-05. Review status: criteria provided, single submitter. Criteria: Invitae Variant Classification Sherloc (09022015). Collection method: clinical testing. Allele origin: germline.
Comment: This sequence change replaces glutamic acid, which is acidic and polar, with lysine, which is basic and polar, at codon 155 of the DRC1 protein (p.Glu155Lys). This variant is present in population databases (rs574881831, gnomAD 0.2%). This variant has not been reported in the literature in individuals affected with DRC1-related conditions. ClinVar contains an entry for this variant (Variation ID: 525381). Algorithms developed to predict the effect of missense changes on protein structure and function (SIFT, PolyPhen-2, Align-GVGD) all suggest that this variant is likely to be tolerated. In summary, the available evidence is currently insufficient to determine the role of this variant in disease. Therefore, it has been classified as a Variant of Uncertain Significance.

NM_145038.5(DRC1):c.463G>A (p.Glu155Lys)

Gene: DRC1 (dynein regulatory complex subunit 1; plus strand). Cytogenetic location: 2p23.3.
Variant type: single nucleotide variant.
Coding change: c.463G>A on transcript NM_145038.5 (MANE Select); coding-DNA position 463, G replaced by A.
Protein change: p.Glu155Lys; replaces glutamic acid 155 with lysine.
Molecular consequence: missense variant.
Genome position (GRCh38, 1-based): chr2:26,424,377, G>A. VCF-style: chr2-26424377-G-A. GRCh37 (hg19) VCF-style: chr2-26647245-G-A.
Other names: c.463G>A (NM_145038.2); short protein forms E155K.
Identifiers: ClinVar variation 525381 (VCV000525381.9), dbSNP rs574881831, ClinGen allele CA1561865.
Genomic context (GRCh38, chr2:26,424,377, plus strand): 5'-GATGAAATCACCTCAAAGTGGGAAGAGGGCAAGCAGAAGAGAATTCCCCAAGAGCTGTGG[G>A]AAATGCTCAATACCCAACAGCTGCACTGTGCTGGACTCTTAGAAGATAAGAATAAACTCA-3'
Protein context (NP_659475.2, residues 145-165): KQKRIPQELW[Glu155Lys]MLNTQQLHCA